The following is an entry in ClinVar:

ClinVar aggregate classification (germline): Uncertain significance. Review status: criteria provided, multiple submitters, no conflicts (2 of 4 stars). 2 submissions from 2 submitters: Uncertain significance (2). Last evaluated 2022-03-13.

Submissions (2):

Labcorp Genetics (formerly Invitae), Labcorp
Classification: Uncertain significance. Last evaluated: 2022-03-13. Review status: criteria provided, single submitter. Criteria: Invitae Variant Classification Sherloc (09022015). Collection method: clinical testing. Allele origin: germline.
Comment: This sequence change replaces glutamic acid, which is acidic and polar, with glutamine, which is neutral and polar, at codon 1359 of the MYO7A protein (p.Glu1359Gln). This variant is present in population databases (rs753672693, gnomAD 0.02%). This variant has not been reported in the literature in individuals affected with MYO7A-related conditions. Advanced modeling of protein sequence and biophysical properties (such as structural, functional, and spatial information, amino acid conservation, physicochemical variation, residue mobility, and thermodynamic stability) performed at Invitae indicates that this missense variant is not expected to disrupt MYO7A protein function. In summary, the available evidence is currently insufficient to determine the role of this variant in disease. Therefore, it has been classified as a Variant of Uncertain Significance.

Blueprint Genetics
Classification: Uncertain significance. Last evaluated: 2020-10-30. Review status: criteria provided, single submitter. Criteria: ACMG Guidelines, 2015. Collection method: clinical testing. Allele origin: germline.

NM_000260.4(MYO7A):c.4075G>C (p.Glu1359Gln)

Gene: MYO7A (myosin VIIA; plus strand). Cytogenetic location: 11q13.5.
Variant type: single nucleotide variant.
Coding change: c.4075G>C on transcript NM_000260.4 (MANE Select); coding-DNA position 4075, G replaced by C.
Protein change: p.Glu1359Gln; replaces glutamic acid 1359 with glutamine.
Molecular consequence: missense variant.
Genome position (GRCh38, 1-based): chr11:77,192,201, G>C. VCF-style: chr11-77192201-G-C. GRCh37 (hg19) VCF-style: chr11-76903246-G-C.
Other names: c.4075G>C, p.Glu1359Gln (NM_001127180.2); c.4042G>C, p.Glu1348Gln (NM_001369365.1); short protein forms E1359Q, E1348Q.
Identifiers: ClinVar variation 1359946 (VCV001359946.4), dbSNP rs753672693, ClinGen allele CA224846296.
Genomic context (GRCh38, chr11:77,192,201, plus strand): 5'-AACGCCCCCTGGAGGCTCTTCTTCCGCAAAGAGGTCTTCACGCCCTGGCACAGCCCCTCC[G>C]AGGACAACGTGGCCACCAACCTCATCTACCAGCAGGTGGTGCGAGGAGTCAAGTTTGGGG-3'
Protein context (NP_000251.3, residues 1349-1369): EVFTPWHSPS[Glu1359Gln]DNVATNLIYQ